The following is an entry in ClinVar:

ClinVar aggregate classification (germline): Likely pathogenic. Review status: criteria provided, multiple submitters, no conflicts (2 of 4 stars). 3 submissions from 3 submitters: Likely pathogenic (2). 1 of the submissions does not count toward it. Last evaluated 2025-11-06.

Conditions:
Tuberous sclerosis syndrome (TSC). Also called: Tuberous sclerosis; Tuberous Sclerosis Complex. Identifiers: Orphanet 805, MedGen C0041341, MONDO:0001734.
Tuberous sclerosis 1 (TSC1). Identifiers: Orphanet 805, MedGen C1854465, MONDO:0008612, OMIM 191100.
Hereditary cancer-predisposing syndrome. Also called: Neoplastic Syndromes, Hereditary; Tumor predisposition; Hereditary neoplastic syndrome; Hereditary Cancer Syndrome. Identifiers: Orphanet 140162, MedGen C0027672, MeSH D009386, MONDO:0015356.

Submissions (3):

Ambry Genetics
Classification: Likely pathogenic for Hereditary cancer-predisposing syndrome. Last evaluated: 2025-11-06. Review status: criteria provided, single submitter. Criteria: Ambry Variant Classification Scheme 2023. Collection method: clinical testing. Allele origin: germline.
Comment: The p.G132D variant (also known as c.395G>A), located in coding exon 4 of the TSC1 gene, results from a G to A substitution at nucleotide position 395. The glycine at codon 132 is replaced by aspartic acid, an amino acid with similar properties. This variant was reported in individual(s) with features consistent with tuberous sclerosis complex (Hoogeveen-Westerveld M. et al. Hum Mutat 2013 Jan;34(1):167-75; External communication). Protein functional studies demonstrated this variant to have a deleterious impact (Hoogeveen-Westerveld M. et al. Hum Mutat 2012 Mar;33(3):476-9). This amino acid position is highly conserved in available vertebrate species. In addition, this alteration is predicted to be deleterious by in silico analysis. Based on the majority of available evidence to date, this variant is likely to be pathogenic. In one functional study, this alteration was found to disrupt the TSC1-TSC2 dependent inhibition of TORC1. In one functional study, this alteration was found to have similar TSC1-TSC2 dependent inhibition of TORC1 as wild-type. In one functional study, this alteration was found to have intermediate loss of the TSC1-TSC2 dependent inhibition of TORC1. (Hoogeveen-Westerveld M et al. Hum Mutat, 2013 Jan;34:167-75).

Labcorp Genetics (formerly Invitae), Labcorp
Classification: Likely pathogenic for Tuberous sclerosis 1. Last evaluated: 2024-02-19. Review status: criteria provided, single submitter. Criteria: Invitae Variant Classification Sherloc (09022015). Collection method: clinical testing. Allele origin: germline.
Comment: This sequence change replaces glycine, which is neutral and non-polar, with aspartic acid, which is acidic and polar, at codon 132 of the TSC1 protein (p.Gly132Asp). This variant is not present in population databases (gnomAD no frequency). This missense change has been observed in individual(s) with clinical features of tuberous sclerosis complex and/or tuberous sclerosis complex (PMID: 22161988, 22903760; Invitae). It has also been observed to segregate with disease in related individuals. ClinVar contains an entry for this variant (Variation ID: 64713). Advanced modeling of protein sequence and biophysical properties (such as structural, functional, and spatial information, amino acid conservation, physicochemical variation, residue mobility, and thermodynamic stability) performed at Invitae indicates that this missense variant is not expected to disrupt TSC1 protein function with a negative predictive value of 80%. Experimental studies have shown that this missense change affects TSC1 function (PMID: 22161988). In summary, the currently available evidence indicates that the variant is pathogenic, but additional data are needed to prove that conclusively. Therefore, this variant has been classified as Likely Pathogenic.

Tuberous sclerosis database (TSC1)
No classification provided. Condition: TSC. Review status: no classification provided. Criteria: Tuberous Sclerosis Database Assertion Criteria 2015. Collection method: curation. Allele origin: germline. Affected: yes. Not counted in ClinVar's aggregate classification.

Literature cited by the submitters: PubMed 22903760 (cited by Ambry Genetics and Labcorp Genetics (formerly Invitae), Labcorp); PubMed 22161988 (cited by Labcorp Genetics (formerly Invitae), Labcorp).

NM_000368.5(TSC1):c.395G>A (p.Gly132Asp)

Gene: TSC1 (TSC complex subunit 1; minus strand). Cytogenetic location: 9q34.13.
Variant type: single nucleotide variant.
Coding change: c.395G>A on transcript NM_000368.5 (MANE Select); coding-DNA position 395, G replaced by A.
Protein change: p.Gly132Asp; replaces glycine 132 with aspartic acid.
Molecular consequence: missense variant.
Genome position (GRCh38, 1-based): chr9:132,923,461, C>T on the plus strand (G>A on the coding strand, the complement: TSC1 is on the minus strand). VCF-style: chr9-132923461-C-T. GRCh37 (hg19) VCF-style: chr9-135798848-C-T.
Other names: c.395G>A, p.Gly132Asp (NM_001162426.2); c.242G>A, p.Gly81Asp (NM_001162427.2); c.32G>A, p.Gly11Asp (NM_001362177.2); short protein forms G132D, G81D, G11D.
Identifiers: ClinVar variation 64713 (VCV000064713.7), dbSNP rs397514784, ClinGen allele CA007549.